The following is an entry in ClinVar:

NM_006231.4(POLE):c.5797A>G (p.Ile1933Val)

Gene: POLE (DNA polymerase epsilon, catalytic subunit; minus strand). Cytogenetic location: 12q24.33.
Variant type: single nucleotide variant.
Coding change: c.5797A>G on transcript NM_006231.4 (MANE Select); coding-DNA position 5797, A replaced by G.
Protein change: p.Ile1933Val; replaces isoleucine 1933 with valine.
Molecular consequence: missense variant.
Genome position (GRCh38, 1-based): chr12:132,635,906, T>C on the plus strand (A>G on the coding strand, the complement: POLE is on the minus strand). VCF-style: chr12-132635906-T-C. GRCh37 (hg19) VCF-style: chr12-133212492-T-C.
Other names: short protein forms I1933V.
Identifiers: ClinVar variation 240574 (VCV000240574.18), dbSNP rs758762868, ClinGen allele CA6892395.

ClinVar aggregate classification (germline): Conflicting classifications of pathogenicity. Review status: criteria provided, conflicting classifications (1 of 4 stars). 5 submissions from 5 submitters: Uncertain significance (3); Likely benign (2). Last evaluated 2025-10-06.

Conditions:
Intrauterine growth retardation, metaphyseal dysplasia, adrenal hypoplasia congenita, genital anomalies, and immunodeficiency. Also called: IMAGEI SYNDROME. Identifiers: MedGen C5193036, MONDO:0032684, OMIM 618336.
Colorectal cancer, susceptibility to, 12 (CRCS12). Also called: COLORECTAL CANCER, SUSCEPTIBILITY TO, ON CHROMOSOME 12q24. Identifiers: Orphanet 220460, MedGen C3554460, MONDO:0014038, OMIM 615083.
Facial dysmorphism-immunodeficiency-livedo-short stature syndrome. Also called: FILS syndrome; Facial dysmorphism, immunodeficiency, livedo, and short stature. Identifiers: Orphanet 352712, MedGen C3554576, MONDO:0014058, OMIM 615139.
Hereditary cancer-predisposing syndrome. Also called: Neoplastic Syndromes, Hereditary; Hereditary Cancer Syndrome; Tumor predisposition; Hereditary neoplastic syndrome. Identifiers: Orphanet 140162, MedGen C0027672, MeSH D009386, MONDO:0015356.

Allele frequency attached by ClinVar (database versions not stated): gnomAD exomes 0.00001 and 0.00002; ExAC 0.00002; gnomAD 0.00002 and 0.00003; TOPMed 0.00003.
gnomAD v4.1: 33 of 1,613,290 alleles (0.002%); highest among the groups gnomAD compares: African/African-American, 0.0053%; no homozygotes.

Submissions (5):

Labcorp Genetics (formerly Invitae), Labcorp
Classification: Uncertain significance. Last evaluated: 2025-10-06. Review status: criteria provided, single submitter. Criteria: Invitae Variant Classification Sherloc (09022015). Collection method: clinical testing. Allele origin: germline.
Comment: This sequence change replaces isoleucine, which is neutral and non-polar, with valine, which is neutral and non-polar, at codon 1933 of the POLE protein (p.Ile1933Val). This variant is present in population databases (rs758762868, gnomAD 0.008%). This variant has not been reported in the literature in individuals affected with POLE-related conditions. ClinVar contains an entry for this variant (Variation ID: 240574). Invitae Evidence Modeling of protein sequence and biophysical properties (such as structural, functional, and spatial information, amino acid conservation, physicochemical variation, residue mobility, and thermodynamic stability) indicates that this missense variant is not expected to disrupt POLE protein function with a negative predictive value of 80%. In summary, the available evidence is currently insufficient to determine the role of this variant in disease. Therefore, it has been classified as a Variant of Uncertain Significance.

Ambry Genetics
Classification: Likely benign for Hereditary cancer-predisposing syndrome. Last evaluated: 2025-03-14. Review status: criteria provided, single submitter. Criteria: Ambry Variant Classification Scheme 2023. Collection method: clinical testing. Allele origin: germline.

Blueprint Genetics
Classification: Likely benign. Last evaluated: 2024-11-04. Review status: criteria provided, single submitter. Criteria: ACMG Guidelines, 2015. Collection method: clinical testing. Allele origin: germline.

GeneDx
Classification: Uncertain significance. Last evaluated: 2024-06-24. Review status: criteria provided, single submitter. Criteria: GeneDx Variant Classification Process June 2021. Collection method: clinical testing. Allele origin: germline. Affected: yes.
Comment: Not observed at significant frequency in large population cohorts (gnomAD); In silico analysis indicates that this missense variant does not alter protein structure/function; Observed in an individual with colon cancer (PMID: 28051113); This variant is associated with the following publications: (PMID: 28051113)

Fulgent Genetics
Classification: Uncertain significance for Colorectal cancer, susceptibility to, 12; Facial dysmorphism-immunodeficiency-livedo-short stature syndrome; Intrauterine growth retardation, metaphyseal dysplasia, adrenal hypoplasia congenita, genital anomalies, and immunodeficiency. Last evaluated: 2024-02-23. Review status: criteria provided, single submitter. Criteria: ACMG Guidelines, 2015. Collection method: clinical testing. Allele origin: germline.